The following is an entry in ClinVar:

ClinVar aggregate classification (germline): Uncertain significance (1 of 4 stars; one submission).

Submission:

GeneDx
Classification: Uncertain significance. Last evaluated: 2024-04-16. Review status: criteria provided, single submitter. Criteria: GeneDx Variant Classification Process June 2021. Collection method: clinical testing. Allele origin: germline. Affected: yes.
Comment: Not observed at significant frequency in large population cohorts (gnomAD); Alters the last nucleotide of the exon and is predicted to destroy the splice donor site but the effect on protein function is unclear; Has not been previously published as pathogenic or benign to our knowledge

NM_000292.3(PHKA2):c.918G>T (p.Glu306Asp)

Gene: PHKA2 (phosphorylase kinase regulatory subunit alpha 2; minus strand). Cytogenetic location: Xp22.13.
Variant type: single nucleotide variant.
Coding change: c.918G>T on transcript NM_000292.3 (MANE Select); coding-DNA position 918, G replaced by T.
Protein change: p.Glu306Asp; replaces glutamic acid 306 with aspartic acid.
Molecular consequence: missense variant.
Genome position (GRCh38, 1-based): chrX:18,939,995, C>A on the plus strand (G>T on the coding strand, the complement: PHKA2 is on the minus strand). VCF-style: chrX-18939995-C-A. GRCh37 (hg19) VCF-style: chrX-18958113-C-A.
Other names: short protein forms E306D.
Identifiers: ClinVar variation 3372522 (VCV003372522.1).
Genomic context (GRCh38, chrX:18,939,995, plus strand): 5'-CATTGGCAACTTAGAGATGAAACAGTTGAGGAAAGATAAGAAACAATATTTAAATACAAC[C>A]TCTCTTGGAGTTTTATAACCATCTCGAAGGAAGCGACAGCATCCATAACGCCCCTAATAA-3'
Protein context (NP_000283.1, residues 296-316): FLRDGYKTPR[Glu306Asp]DPNRLHYDPA